The following is an entry in ClinVar:

NM_000878.5(IL2RB):c.1175C>G (p.Pro392Arg)

Gene: IL2RB (interleukin 2 receptor subunit beta; minus strand). Cytogenetic location: 22q12.3.
Variant type: single nucleotide variant.
Coding change: c.1175C>G on transcript NM_000878.5 (MANE Select); coding-DNA position 1175, C replaced by G.
Protein change: p.Pro392Arg; replaces proline 392 with arginine.
Molecular consequence: missense variant.
Genome position (GRCh38, 1-based): chr22:37,128,577, G>C on the plus strand (C>G on the coding strand, the complement: IL2RB is on the minus strand). VCF-style: chr22-37128577-G-C. GRCh37 (hg19) VCF-style: chr22-37524617-G-C.
Other names: c.1175C>G, p.Pro392Arg (NM_001346222.1, NM_001346223.2); short protein forms P392R.
Identifiers: ClinVar variation 1017755 (VCV001017755.6), dbSNP rs1319199222, ClinGen allele CA411425087.

ClinVar aggregate classification (germline): Uncertain significance (1 of 4 stars; one submission).

Allele frequency attached by ClinVar (database versions not stated): gnomAD exomes below 0.00001; gnomAD 0.00001.
gnomAD v4.1: 4 of 1,613,942 alleles (0.00025%); highest among the groups gnomAD compares: Admixed American, 0.0033%; no homozygotes.

Submission:

Labcorp Genetics (formerly Invitae), Labcorp
Classification: Uncertain significance. Last evaluated: 2022-07-18. Review status: criteria provided, single submitter. Criteria: Invitae Variant Classification Sherloc (09022015). Collection method: clinical testing. Allele origin: germline.
Comment: This sequence change replaces proline, which is neutral and non-polar, with arginine, which is basic and polar, at codon 392 of the IL2RB protein (p.Pro392Arg). This variant is present in population databases (no rsID available, gnomAD 0.1%). This variant has not been reported in the literature in individuals affected with IL2RB-related conditions. ClinVar contains an entry for this variant (Variation ID: 1017755). Algorithms developed to predict the effect of missense changes on protein structure and function are either unavailable or do not agree on the potential impact of this missense change (SIFT: "Tolerated"; PolyPhen-2: "Possibly Damaging"; Align-GVGD: "Class C0"). In summary, the available evidence is currently insufficient to determine the role of this variant in disease. Therefore, it has been classified as a Variant of Uncertain Significance.